The following is an entry in ClinVar:

ClinVar aggregate classification (germline): Uncertain significance (1 of 4 stars; one submission).

Allele frequency attached by ClinVar (database versions not stated): TOPMed below 0.00001; gnomAD 0.00001.

Submission:

Women's Health and Genetics/Laboratory Corporation of America, LabCorp
Classification: Uncertain significance. Last evaluated: 2020-10-01. Review status: criteria provided, single submitter. Criteria: LabCorp Variant Classification Summary - May 2015. Collection method: clinical testing. Allele origin: germline.
Comment: Variant summary: RIMS1 c.4681C>T (p.Arg1561X) results in a premature termination codon, predicted to cause a truncation of the encoded protein or absence of the protein due to nonsense mediated decay, a suspected mechanism of disease for this gene. The variant was absent in 241702 control chromosomes. To our knowledge, no occurrences of c.4681C>T in individuals affected with RIMS1-Related Disorders and no experimental evidence demonstrating an impact on protein function have been reported. However, this variant has been reported in tumor samples as a somatic variant (Tarpey_2013, Baker_2019). In addition, there are several reports of de-novo occurrences of other truncating mutations in RIMS1 in individuals with autism spectrum disorder (ASD; examples- PMIDs 25961944, 22542183, 25284784), however a clear association with ASD has not been established. No clinical diagnostic laboratories have submitted clinical-significance assessments for this variant to ClinVar after 2014. Based on the evidence outlined above, the variant was classified as uncertain significance.

Literature cited by the submitters: PubMed 29991641; PubMed 23770606.

NM_014989.7(RIMS1):c.4681C>T (p.Arg1561Ter)

Gene: RIMS1 (regulating synaptic membrane exocytosis 1; plus strand). Cytogenetic location: 6q13.
Variant type: single nucleotide variant.
Coding change: c.4681C>T on transcript NM_014989.7 (MANE Select); coding-DNA position 4681, C replaced by T.
Protein change: p.Arg1561Ter; replaces arginine 1561 with a stop codon.
Molecular consequence: nonsense.
Genome position (GRCh38, 1-based): chr6:72,398,311, C>T. VCF-style: chr6-72398311-C-T. GRCh37 (hg19) VCF-style: chr6-73108013-C-T.
Other names: c.2641C>T, p.Arg881Ter (NM_001168407.2); c.2056C>T, p.Arg686Ter (NM_001168408.2, NM_001350430.2); c.1885C>T, p.Arg629Ter (NM_001168409.2); c.2083C>T, p.Arg695Ter (NM_001168410.2); c.262C>T, p.Arg88Ter (NM_001168411.2); c.2602C>T, p.Arg868Ter (NM_001350414.2); c.2698C>T, p.Arg900Ter (NM_001350415.2); c.2647C>T, p.Arg883Ter (NM_001350416.2); and 54 more; short protein forms R1561*, R605*, R629*, R634*, R635*, R655*, R658*, R659*.
Identifiers: ClinVar variation 984503 (VCV000984503.1), dbSNP rs1168986146, ClinGen allele CA364820648.
Genomic context (GRCh38, chr6:72,398,311, plus strand): 5'-GATATACAAATAGGAATGGAGGACAAAAAGGGCCAATTAGAAGTGGAAGTCATTAGAGCA[C>T]GAAGCCTCACACAAAAGCCTGGTTCCAAATCTACACCTGGTAAGGAGAAGTATTCCTGAA-3'